The following is an entry in ClinVar:

NM_000368.5(TSC1):c.862C>G (p.Arg288Gly)

Gene: TSC1 (TSC complex subunit 1; minus strand). Cytogenetic location: 9q34.13.
Variant type: single nucleotide variant.
Coding change: c.862C>G on transcript NM_000368.5 (MANE Select); coding-DNA position 862, C replaced by G.
Protein change: p.Arg288Gly; replaces arginine 288 with glycine.
Molecular consequence: missense variant.
Genome position (GRCh38, 1-based): chr9:132,912,333, G>C on the plus strand (C>G on the coding strand, the complement: TSC1 is on the minus strand). VCF-style: chr9-132912333-G-C. GRCh37 (hg19) VCF-style: chr9-135787720-G-C.
Other names: c.862C>G, p.Arg288Gly (NM_001162426.2); c.709C>G, p.Arg237Gly (NM_001162427.2); c.499C>G, p.Arg167Gly (NM_001362177.2); short protein forms R167G, R237G, R288G.
Identifiers: ClinVar variation 944412 (VCV000944412.10), dbSNP rs770653972, ClinGen allele CA375369193.

ClinVar aggregate classification (germline): Uncertain significance. Review status: criteria provided, multiple submitters, no conflicts (2 of 4 stars). 2 submissions from 2 submitters: Uncertain significance (2). Last evaluated 2026-07-06.

Conditions:
Hereditary cancer-predisposing syndrome. Also called: Neoplastic Syndromes, Hereditary; Hereditary Cancer Syndrome; Tumor predisposition; Hereditary neoplastic syndrome. Identifiers: Orphanet 140162, MedGen C0027672, MeSH D009386, MONDO:0015356.
Tuberous sclerosis 1 (TSC1). Identifiers: Orphanet 805, MedGen C1854465, MONDO:0008612, OMIM 191100.

Submissions (2):

Ambry Genetics
Classification: Uncertain significance for Hereditary cancer-predisposing syndrome. Last evaluated: 2026-07-06. Review status: criteria provided, single submitter. Criteria: Ambry Variant Classification Scheme 2023. Collection method: clinical testing. Allele origin: germline.
Comment: The p.R288G variant (also known as c.862C>G), located in coding exon 7 of the TSC1 gene, results from a C to G substitution at nucleotide position 862. The arginine at codon 288 is replaced by glycine, an amino acid with dissimilar properties. This amino acid position is conserved. In addition, this alteration is predicted to be deleterious by in silico analysis. Based on the available evidence, the clinical significance of this variant remains unclear.

Labcorp Genetics (formerly Invitae), Labcorp
Classification: Uncertain significance for Tuberous sclerosis 1. Last evaluated: 2023-11-27. Review status: criteria provided, single submitter. Criteria: Invitae Variant Classification Sherloc (09022015). Collection method: clinical testing. Allele origin: germline.
Comment: This sequence change replaces arginine, which is basic and polar, with glycine, which is neutral and non-polar, at codon 288 of the TSC1 protein (p.Arg288Gly). This variant is not present in population databases (gnomAD no frequency). This variant has not been reported in the literature in individuals affected with TSC1-related conditions. ClinVar contains an entry for this variant (Variation ID: 944412). Advanced modeling of protein sequence and biophysical properties (such as structural, functional, and spatial information, amino acid conservation, physicochemical variation, residue mobility, and thermodynamic stability) performed at Invitae indicates that this missense variant is not expected to disrupt TSC1 protein function with a negative predictive value of 95%. In summary, the available evidence is currently insufficient to determine the role of this variant in disease. Therefore, it has been classified as a Variant of Uncertain Significance.